The following is an entry in ClinVar:

NM_002860.4(ALDH18A1):c.1827A>T (p.Pro609=)

Gene: ALDH18A1 (aldehyde dehydrogenase 18 family member A1; minus strand). Cytogenetic location: 10q24.1.
Variant type: single nucleotide variant.
Coding change: c.1827A>T on transcript NM_002860.4 (MANE Select); coding-DNA position 1827, A replaced by T.
Protein change: p.Pro609=; no amino-acid change (proline 609 retained).
Molecular consequence: synonymous variant.
Genome position (GRCh38, 1-based): chr10:95,613,838, T>A on the plus strand (A>T on the coding strand, the complement: ALDH18A1 is on the minus strand). VCF-style: chr10-95613838-T-A. GRCh37 (hg19) VCF-style: chr10-97373595-T-A.
Other names: c.1821A>T, p.Pro607= (NM_001323415.2, NM_001017423.2); c.1494A>T, p.Pro498= (NM_001323416.2, NM_001323412.2); c.1722A>T, p.Pro574= (NM_001323417.2); c.1488A>T, p.Pro496= (NM_001323418.2); c.1191A>T, p.Pro397= (NM_001323419.2); c.1827A>T, p.Pro609= (NM_001323413.2, NM_001323414.2).
Identifiers: ClinVar variation 3031639 (VCV003031639.4), dbSNP rs752285111, ClinGen allele CA5620209.

ClinVar aggregate classification (germline): Likely benign. Review status: criteria provided, single submitter (1 of 4 stars). 2 submissions from 2 submitters: Likely benign (1). 1 of the submissions does not count toward it. Last evaluated 2026-01-06.

Conditions:
Autosomal dominant spastic paraplegia type 9. Identifiers: MedGen C1832669, MONDO:0015091.
de Barsy syndrome. Also called: Cutis laxa-corneal clouding-oligophrenia syndrome. Identifiers: Orphanet 2962, MedGen C0268354, MONDO:0017569.
Cutis laxa, autosomal dominant 3 (ADCL3). Identifiers: Orphanet 90348, MedGen C4225268, MONDO:0014706, OMIM 616603.
ALDH18A1-related disorder. Also called: ALDH18A1-related disorders.

Allele frequency attached by ClinVar (database versions not stated): TOPMed below 0.00001; ExAC 0.00001.
gnomAD v4.1: 1 of 1,614,210 alleles (0.000062%); highest among the groups gnomAD compares: Non-Finnish European, 0.000085%; no homozygotes.

Submissions (2):

Labcorp Genetics (formerly Invitae), Labcorp
Classification: Likely benign for Autosomal dominant spastic paraplegia type 9; de Barsy syndrome; Cutis laxa, autosomal dominant 3. Last evaluated: 2026-01-06. Review status: criteria provided, single submitter. Criteria: Invitae Variant Classification Sherloc (09022015). Collection method: clinical testing. Allele origin: germline.

PreventionGenetics, part of Exact Sciences
Classification: Likely benign for ALDH18A1-related condition. Last evaluated: 2022-08-05. Review status: no assertion criteria provided. Collection method: clinical testing. Allele origin: germline. Not counted in ClinVar's aggregate classification.
Comment: This variant is classified as likely benign based on ACMG/AMP sequence variant interpretation guidelines (Richards et al. 2015 PMID: 25741868, with internal and published modifications).